The following is an entry in ClinVar:

ClinVar aggregate classification (germline): Uncertain significance (1 of 4 stars; one submission).

Allele frequency attached by ClinVar (database versions not stated): gnomAD 0.00001.
gnomAD v4.1: 1 of 1,613,598 alleles (0.000062%); highest among the groups gnomAD compares: Admixed American, 0.0017%; no homozygotes.

Submission:

Ambry Genetics
Classification: Uncertain significance. Last evaluated: 2022-12-03. Review status: criteria provided, single submitter. Criteria: Ambry Variant Classification Scheme 2023. Collection method: clinical testing. Allele origin: germline.
Comment: The p.T1206S variant (also known as c.3617C>G), located in coding exon 16 of the POLQ gene, results from a C to G substitution at nucleotide position 3617. The threonine at codon 1206 is replaced by serine, an amino acid with similar properties. This amino acid position is conserved. In addition, this alteration is predicted to be tolerated by in silico analysis. Since supporting evidence is limited at this time, the clinical significance of this alteration remains unclear.

NM_199420.4(POLQ):c.3617C>G (p.Thr1206Ser)

Gene: POLQ (DNA polymerase theta; minus strand). Cytogenetic location: 3q13.33.
Variant type: single nucleotide variant.
Coding change: c.3617C>G on transcript NM_199420.4 (MANE Select); coding-DNA position 3617, C replaced by G.
Protein change: p.Thr1206Ser; replaces threonine 1206 with serine.
Molecular consequence: missense variant.
Genome position (GRCh38, 1-based): chr3:121,489,314, G>C on the plus strand (C>G on the coding strand, the complement: POLQ is on the minus strand). VCF-style: chr3-121489314-G-C. GRCh37 (hg19) VCF-style: chr3-121208161-G-C.
Other names: short protein forms T1206S.
Identifiers: ClinVar variation 2497195 (VCV002497195.2), dbSNP rs2048043074, ClinGen allele CA354098662.
Genomic context (GRCh38, chr3:121,489,314, plus strand): 5'-TAACTACTGACTGCTTCACAGGGCATTTGTCTCTCTATTATATTTTTCTGTTTGGTAATA[G>C]TGCTTGTCTGTTCATGAGATTGCTTTCGCAGGTACTGGTTAATTGGATGGATGTCATGGT-3'
Protein context (NP_955452.3, residues 1196-1216): LRKQSHEQTS[Thr1206Ser]ITKQKNIIER